The following is an entry in ClinVar:

ClinVar aggregate classification (germline): Uncertain significance (1 of 4 stars; one submission).

Conditions:
Cardiovascular phenotype. Identifiers: MedGen CN230736.

Allele frequency attached by ClinVar (database versions not stated): TOPMed below 0.00001; gnomAD 0.00001.
gnomAD v4.1: 1 of 1,613,994 alleles (0.000062%); highest among the groups gnomAD compares: Non-Finnish European, 0.000085%; no homozygotes.

Submission:

Ambry Genetics
Classification: Uncertain significance for Cardiovascular phenotype. Last evaluated: 2022-08-17. Review status: criteria provided, single submitter. Criteria: Ambry Variant Classification Scheme 2023. Collection method: clinical testing. Allele origin: germline.
Comment: The p.P132T variant (also known as c.394C>A), located in coding exon 1 of the MYPN gene, results from a C to A substitution at nucleotide position 394. The proline at codon 132 is replaced by threonine, an amino acid with highly similar properties. This amino acid position is conserved. In addition, this alteration is predicted to be tolerated by in silico analysis. Since supporting evidence is limited at this time, the clinical significance of this alteration remains unclear.

NM_032578.4(MYPN):c.394C>A (p.Pro132Thr)

Gene: MYPN (myopalladin; plus strand). Cytogenetic location: 10q21.3.
Variant type: single nucleotide variant.
Coding change: c.394C>A on transcript NM_032578.4 (MANE Select); coding-DNA position 394, C replaced by A.
Protein change: p.Pro132Thr; replaces proline 132 with threonine.
Molecular consequence: missense variant. On other transcripts: 5 prime UTR variant (1), non-coding transcript variant (1).
Genome position (GRCh38, 1-based): chr10:68,121,832, C>A. VCF-style: chr10-68121832-C-A. GRCh37 (hg19) VCF-style: chr10-69881589-C-A.
Other names: c.394C>A, p.Pro132Thr (NM_001256267.2); c.-729C>A (NM_001256268.2); short protein forms P132T.
Identifiers: ClinVar variation 1736407 (VCV001736407.2), dbSNP rs2042247648, ClinGen allele CA377104249.